The following is an entry in ClinVar:

NM_000169.3(GLA):c.1067G>C (p.Arg356Pro)

Genes: GLA (galactosidase alpha; minus strand), RPL36A-HNRNPH2 (RPL36A-HNRNPH2 readthrough; plus strand). Cytogenetic location: Xq22.1.
Variant type: single nucleotide variant.
Coding change: c.1067G>C on transcript NM_000169.3 (MANE Select); coding-DNA position 1067, G replaced by C.
Protein change: p.Arg356Pro; replaces arginine 356 with proline.
Molecular consequence: missense variant. On other transcripts: non-coding transcript variant (3), intron variant (2).
Genome position (GRCh38, 1-based): chrX:101,398,032, C>G on the plus strand (G>C on the coding strand, the complement: GLA is on the minus strand). VCF-style: chrX-101398032-C-G. GRCh37 (hg19) VCF-style: chrX-100653020-C-G.
Other names: c.1190G>C, p.Arg397Pro (NM_001406747.1); c.300+2575C>G (NM_001199973.2); c.177+6210C>G (NM_001199974.2); short protein forms R356P, R397P.
Identifiers: ClinVar variation 217411 (VCV000217411.3), dbSNP rs869312163, ClinGen allele CA353301.

ClinVar aggregate classification (germline): Likely pathogenic. Review status: criteria provided, single submitter (1 of 4 stars). 3 submissions from 2 submitters: Likely pathogenic (1). 2 of the submissions do not count toward it. Last evaluated 2026-09-08.

Conditions:
Fabry disease. Also called: ALPHA-GALACTOSIDASE A DEFICIENCY; ANDERSON-FABRY DISEASE; CERAMIDE TRIHEXOSIDASE DEFICIENCY; Fabry's disease; Angiokeratoma corporis diffusum; Ceramide trihexosidosis. Identifiers: Orphanet 324, MedGen C0002986, MONDO:0010526, OMIM 301500, HP:0001071. Disease mechanism: loss of function, Fabry disease is due to inactivating mutations in the X-linked GLA gene resulting in deficiency of the enzyme Alpha Galactosidase-A..
Migalastat response. Also called: 1-Deoxygalactonojirimycin response; Galafold response. Identifiers: MedGen CN233149.

Submissions (3):

Genomenon, Inc
Classification: Likely pathogenic for Fabry disease. Last evaluated: 2026-09-08. Review status: criteria provided, single submitter. Criteria: Genomenon Sequence Variant Interpretation Standards - Updated. Collection method: curation. Allele origin: germline. Affected: yes.
Comment: GLA p.Arg356Pro (c.1067G>C) is a missense variant that changes the amino acid at codon 356 from Arginine to Proline. This variant has been observed in at least one proband with clinical features consistent with Fabry disease (PMID:22849389). At least one functional study has demonstrated a substantial alteration in protein function relative to the wild-type (PMID:26415523). It is absent or not present at a significant frequency in gnomAD. In conclusion, we classify GLA p.Arg356Pro (c.1067G>C) as a likely pathogenic variant.

Albrecht-Kossel-Institute, Medical University Rostock
Classification: Pathogenic for Fabry's disease. Last evaluated: 2014-01-01. Review status: no assertion criteria provided. Collection method: research. Allele origin: inherited. Not counted in ClinVar's aggregate classification.

Albrecht-Kossel-Institute, Medical University Rostock
Classification: drug response for deoxygalactonojirimycin response. Last evaluated: 2014-01-01. Review status: no assertion criteria provided. Collection method: research. Allele origin: inherited. Not counted in ClinVar's aggregate classification.

Literature cited by the submitters: PubMed 22849389 (cited by Genomenon, Inc); PubMed 26415523 (cited by Genomenon, Inc and Albrecht-Kossel-Institute, Medical University Rostock).